The following is an entry in ClinVar:

ClinVar aggregate classification (germline): Uncertain significance (1 of 4 stars; one submission).

Conditions:
Charcot-Marie-Tooth disease axonal type 2C (HMSN2C). Also called: CHARCOT-MARIE-TOOTH DISEASE, AXONAL, AUTOSOMAL DOMINANT, TYPE 2C; Charcot-Marie-Tooth Neuropathy Type 2C; Charcot-Marie-Tooth Disease Type 2, TRPV4-Related (CMT2C). Identifiers: Orphanet 99937, MedGen C1853710, MONDO:0011633, OMIM 606071.

gnomAD v4.1: 4 of 1,611,124 alleles (0.00025%); highest among the groups gnomAD compares: African/African-American, 0.0054%; no homozygotes.

Submission:

Labcorp Genetics (formerly Invitae), Labcorp
Classification: Uncertain significance for Charcot-Marie-Tooth disease axonal type 2C. Last evaluated: 2025-06-09. Review status: criteria provided, single submitter. Criteria: Invitae Variant Classification Sherloc (09022015). Collection method: clinical testing. Allele origin: germline.
Comment: This sequence change replaces asparagine, which is neutral and polar, with threonine, which is neutral and polar, at codon 850 of the TRPV4 protein (p.Asn850Thr). This variant is present in population databases (no rsID available, gnomAD 0.007%). This variant has not been reported in the literature in individuals affected with TRPV4-related conditions. Invitae Evidence Modeling of protein sequence and biophysical properties (such as structural, functional, and spatial information, amino acid conservation, physicochemical variation, residue mobility, and thermodynamic stability) indicates that this missense variant is not expected to disrupt TRPV4 protein function with a negative predictive value of 95%. In summary, the available evidence is currently insufficient to determine the role of this variant in disease. Therefore, it has been classified as a Variant of Uncertain Significance.

NM_021625.5(TRPV4):c.2549A>C (p.Asn850Thr)

Gene: TRPV4 (transient receptor potential cation channel subfamily V member 4; minus strand). Cytogenetic location: 12q24.11.
Variant type: single nucleotide variant.
Coding change: c.2549A>C on transcript NM_021625.5 (MANE Select); coding-DNA position 2549, A replaced by C.
Protein change: p.Asn850Thr; replaces asparagine 850 with threonine.
Molecular consequence: missense variant.
Genome position (GRCh38, 1-based): chr12:109,783,688, T>G on the plus strand (A>C on the coding strand, the complement: TRPV4 is on the minus strand). VCF-style: chr12-109783688-T-G. GRCh37 (hg19) VCF-style: chr12-110221493-T-G.
Other names: c.2408A>C, p.Asn803Thr (NM_001177428.2); c.2447A>C, p.Asn816Thr (NM_001177431.2); c.2228A>C, p.Asn743Thr (NM_001177433.2); c.2369A>C, p.Asn790Thr (NM_147204.3); short protein forms N743T, N803T, N816T, N850T, N790T.
Identifiers: ClinVar variation 4748763 (VCV004748763.1).